The following is an entry in ClinVar:

NM_052947.4(ALPK2):c.6148T>A (p.Phe2050Ile)

Gene: ALPK2 (alpha kinase 2; minus strand). Cytogenetic location: 18q21.31.
Variant type: single nucleotide variant.
Coding change: c.6148T>A on transcript NM_052947.4 (MANE Select); coding-DNA position 6148, T replaced by A.
Protein change: p.Phe2050Ile; replaces phenylalanine 2050 with isoleucine.
Molecular consequence: missense variant.
Genome position (GRCh38, 1-based): chr18:58,504,030, A>T on the plus strand (T>A on the coding strand, the complement: ALPK2 is on the minus strand). VCF-style: chr18-58504030-A-T. GRCh37 (hg19) VCF-style: chr18-56171262-A-T.
Other names: short protein forms F2050I.
Identifiers: ClinVar variation 2626009 (VCV002626009.2), dbSNP rs1316185675, ClinGen allele CA402544039.
Genomic context (GRCh38, chr18:58,504,030, plus strand): 5'-GGTACACCCAGTGCTGGAAGGTGCAACATTTCTGACCAGCTTCTGATTCTCTTCTCAAGA[A>T]GTTTATTTCTTTCCCATCCCTGATGGAATACTTCACAAATTCTCCAATCAGCTCCTCCTC-3'
Protein context (NP_443179.3, residues 2040-2060): YSIRDGKEIN[Phe2050Ile]LRRESEAGQK

ClinVar aggregate classification (germline): Uncertain significance (1 of 4 stars; one submission).

Submission:

Ambry Genetics
Classification: Uncertain significance. Last evaluated: 2023-07-27. Review status: criteria provided, single submitter. Criteria: Ambry Variant Classification Scheme 2023. Collection method: clinical testing. Allele origin: germline.
Comment: The p.F2050I variant (also known as c.6148T>A), located in coding exon 10 of the ALPK2 gene, results from a T to A substitution at nucleotide position 6148. The phenylalanine at codon 2050 is replaced by isoleucine, an amino acid with highly similar properties. This amino acid position is conserved. In addition, this alteration is predicted to be tolerated by in silico analysis. Since supporting evidence is limited at this time, the clinical significance of this alteration remains unclear.